The following is an entry in ClinVar:

NM_001457.4(FLNB):c.4022C>T (p.Ala1341Val)

Gene: FLNB (filamin B; plus strand). Cytogenetic location: 3p14.3.
Variant type: single nucleotide variant.
Coding change: c.4022C>T on transcript NM_001457.4 (MANE Select); coding-DNA position 4022, C replaced by T.
Protein change: p.Ala1341Val; replaces alanine 1341 with valine.
Molecular consequence: missense variant.
Genome position (GRCh38, 1-based): chr3:58,125,704, C>T. VCF-style: chr3-58125704-C-T. GRCh37 (hg19) VCF-style: chr3-58111431-C-T.
Other names: c.4022C>T, p.Ala1341Val (NM_001164317.2, NM_001164318.2, NM_001164319.2); short protein forms A1341V.
Identifiers: ClinVar variation 2783642 (VCV002783642.3), dbSNP rs139269734, ClinGen allele CA353350024.

ClinVar aggregate classification (germline): Uncertain significance (1 of 4 stars; one submission).

gnomAD v4.1: 2 of 1,614,126 alleles (0.00012%); highest among the groups gnomAD compares: South Asian, 0.0011%; no homozygotes.

Submission:

Labcorp Genetics (formerly Invitae), Labcorp
Classification: Uncertain significance. Last evaluated: 2023-02-24. Review status: criteria provided, single submitter. Criteria: Invitae Variant Classification Sherloc (09022015). Collection method: clinical testing. Allele origin: germline.
Comment: This sequence change replaces alanine, which is neutral and non-polar, with valine, which is neutral and non-polar, at codon 1341 of the FLNB protein (p.Ala1341Val). This variant is not present in population databases (gnomAD no frequency). This variant has not been reported in the literature in individuals affected with FLNB-related conditions. Advanced modeling of protein sequence and biophysical properties (such as structural, functional, and spatial information, amino acid conservation, physicochemical variation, residue mobility, and thermodynamic stability) performed at Invitae indicates that this missense variant is not expected to disrupt FLNB protein function. In summary, the available evidence is currently insufficient to determine the role of this variant in disease. Therefore, it has been classified as a Variant of Uncertain Significance.